The following is an entry in ClinVar:

ClinVar aggregate classification (germline): Uncertain significance. Review status: criteria provided, multiple submitters, no conflicts (2 of 4 stars). 3 submissions from 3 submitters: Uncertain significance (3). Last evaluated 2024-05-28.

Allele frequency attached by ClinVar (database versions not stated): gnomAD exomes below 0.00001; gnomAD 0.00001; TOPMed 0.00001.
gnomAD v4.1: 5 of 1,612,594 alleles (0.00031%); highest among the groups gnomAD compares: Non-Finnish European, 0.00042%; no homozygotes.

Submissions (3):

Athena Diagnostics
Classification: Uncertain significance. Last evaluated: 2024-05-28. Review status: criteria provided, single submitter. Criteria: Athena Diagnostics Criteria. Collection method: clinical testing. Allele origin: unknown.
Comment: Available data are insufficient to determine the clinical significance of the variant at this time. The frequency of this variant in the general population is uninformative in assessment of its pathogenicity. Polyphen and MutationTaster predict this amino acid change may be benign.

CeGaT Center for Human Genetics Tuebingen
Classification: Uncertain significance. Last evaluated: 2023-07-01. Review status: criteria provided, single submitter. Criteria: CeGaT Center For Human Genetics Tuebingen Variant Classification Criteria Version 2. Collection method: clinical testing. Allele origin: germline. Affected: yes. Observed: 1 variant allele.
Comment: TTN: PM2, BP4

Laboratory for Molecular Medicine, Mass General Brigham Personalized Medicine
Classification: Uncertain significance. Last evaluated: 2015-05-27. Review status: criteria provided, single submitter. Criteria: LMM Criteria. Collection method: clinical testing. Allele origin: germline. Observed: 1 variant allele.
Comment: The p.Val10724Met variant in TTN has not been previously reported in individuals with cardiomyopathy or in large population studies. Computational prediction to ols and conservation analysis suggest that this variant may not impact the prote in, though this information is not predictive enough to rule out pathogenicity. In summary, the clinical significance of the p.Val10724Met variant is uncertain.

NM_001267550.2(TTN):c.39472G>A (p.Val13158Met)

Gene: TTN (titin; minus strand). Cytogenetic location: 2q31.2.
Variant type: single nucleotide variant.
Coding change: c.39472G>A on transcript NM_001267550.2 (MANE Select); coding-DNA position 39472, G replaced by A.
Protein change: p.Val13158Met; replaces valine 13158 with methionine.
Molecular consequence: missense variant. On other transcripts: intron variant (3).
Genome position (GRCh38, 1-based): chr2:178,651,528, C>T on the plus strand (G>A on the coding strand, the complement: TTN is on the minus strand). VCF-style: chr2-178651528-C-T. GRCh37 (hg19) VCF-style: chr2-179516255-C-T.
Other names: c.32170G>A, p.Val10724Met (NM_133378.4); c.39472G>A (NM_001267550.1); c.34951G>A, p.Val11651Met (NM_001256850.1); c.13283-9211G>A (NM_003319.4); c.13859-9211G>A (NM_133437.4); c.13658-9211G>A (NM_133432.3); short protein forms V10724M, V13158M, V11651M.
Identifiers: ClinVar variation 229424 (VCV000229424.30), dbSNP rs876658056, ClinGen allele CA10576538.